The following is an entry in ClinVar:

ClinVar aggregate classification (germline): Uncertain significance. Review status: criteria provided, multiple submitters, no conflicts (2 of 4 stars). 2 submissions from 2 submitters: Uncertain significance (2). Last evaluated 2025-06-09.

Conditions:
Nemaline myopathy 2 (NEM2). Also called: Nemaline myopathy 2, autosomal recessive. Identifiers: MedGen C1850569, MONDO:0009725, OMIM 256030.

Allele frequency attached by ClinVar (database versions not stated): gnomAD 0.00001; TOPMed below 0.00001; ExAC 0.00001; gnomAD exomes below 0.00001.
gnomAD v4.1: 3 of 1,608,572 alleles (0.00019%); highest among the groups gnomAD compares: East Asian, 0.0022%; no homozygotes.

Submissions (2):

Revvity Omics, Revvity
Classification: Uncertain significance. Last evaluated: 2025-06-09. Review status: criteria provided, single submitter. Criteria: ACMG Guidelines, 2015. Collection method: clinical testing. Allele origin: germline.

Labcorp Genetics (formerly Invitae), Labcorp
Classification: Uncertain significance for Nemaline myopathy 2. Last evaluated: 2022-05-14. Review status: criteria provided, single submitter. Criteria: Invitae Variant Classification Sherloc (09022015). Collection method: clinical testing. Allele origin: germline.
Comment: This sequence change replaces isoleucine, which is neutral and non-polar, with valine, which is neutral and non-polar, at codon 3968 of the NEB protein (p.Ile3968Val). This variant is present in population databases (rs762386638, gnomAD 0.0009%). This variant has not been reported in the literature in individuals affected with NEB-related conditions. Algorithms developed to predict the effect of missense changes on protein structure and function output the following: SIFT: "Tolerated"; PolyPhen-2: "Not Available"; Align-GVGD: "Class C0". The valine amino acid residue is found in multiple mammalian species, which suggests that this missense change does not adversely affect protein function. In summary, the available evidence is currently insufficient to determine the role of this variant in disease. Therefore, it has been classified as a Variant of Uncertain Significance.

NM_001164508.2(NEB):c.11902A>G (p.Ile3968Val)

Gene: NEB (nebulin; minus strand). Cytogenetic location: 2q23.3.
Variant type: single nucleotide variant.
Coding change: c.11902A>G on transcript NM_001164508.2 (MANE Select); coding-DNA position 11902, A replaced by G.
Protein change: p.Ile3968Val; replaces isoleucine 3968 with valine.
Molecular consequence: missense variant.
Genome position (GRCh38, 1-based): chr2:151,610,770, T>C on the plus strand (A>G on the coding strand, the complement: NEB is on the minus strand). VCF-style: chr2-151610770-T-C. GRCh37 (hg19) VCF-style: chr2-152467284-T-C.
Other names: c.11902A>G, p.Ile3968Val (NM_001164507.2, NM_001271208.2); c.11173A>G, p.Ile3725Val (NM_004543.5); short protein forms I3725V, I3968V.
Identifiers: ClinVar variation 2047273 (VCV002047273.2), dbSNP rs762386638, ClinGen allele CA1908647.
Genomic context (GRCh38, chr2:151,610,770, plus strand): 5'-AAAAGCATTTTAATTAATCTTAGGTTTAAGCAACAATCAGGAAATCTCTTACTTGGCTGA[T>C]ATTGGCAGAATTACTCTTGGCCAGCAGGATATCTGGGGTGTCTGGCATCACGTGGATGGA-3'
Protein context (NP_001157980.2, residues 3958-3978): ILLAKSNSAN[Ile3968Val]SQKLYTKGWD